The following is an entry in ClinVar:

ClinVar aggregate classification (germline): Uncertain significance (1 of 4 stars; one submission).

Submission:

Labcorp Genetics (formerly Invitae), Labcorp
Classification: Uncertain significance. Last evaluated: 2021-09-01. Review status: criteria provided, single submitter. Criteria: Invitae Variant Classification Sherloc (09022015). Collection method: clinical testing. Allele origin: germline.
Comment: This sequence change replaces threonine with serine at codon 1632 of the PTPN23 protein (p.Thr1632Ser). The threonine residue is moderately conserved and there is a small physicochemical difference between threonine and serine. This variant is not present in population databases (ExAC no frequency). This variant has not been reported in the literature in individuals affected with PTPN23-related conditions. Algorithms developed to predict the effect of missense changes on protein structure and function are either unavailable or do not agree on the potential impact of this missense change (SIFT: "Tolerated"; PolyPhen-2: "Not Available"; Align-GVGD: "Class C0"). In summary, the available evidence is currently insufficient to determine the role of this variant in disease. Therefore, it has been classified as a Variant of Uncertain Significance.

NM_015466.4(PTPN23):c.4894A>T (p.Thr1632Ser)

Gene: PTPN23 (protein tyrosine phosphatase non-receptor type 23; plus strand). Cytogenetic location: 3p21.31.
Variant type: single nucleotide variant.
Coding change: c.4894A>T on transcript NM_015466.4 (MANE Select); coding-DNA position 4894, A replaced by T.
Protein change: p.Thr1632Ser; replaces threonine 1632 with serine.
Molecular consequence: missense variant.
Genome position (GRCh38, 1-based): chr3:47,413,168, A>T. VCF-style: chr3-47413168-A-T. GRCh37 (hg19) VCF-style: chr3-47454658-A-T.
Other names: c.4516A>T, p.Thr1506Ser (NM_001304482.2); short protein forms T1506S, T1632S.
Identifiers: ClinVar variation 1460720 (VCV001460720.5), dbSNP rs1001756379, ClinGen allele CA73887258.